The following is an entry in ClinVar:

ClinVar aggregate classification (germline): Uncertain significance. Review status: criteria provided, multiple submitters, no conflicts (2 of 4 stars). 2 submissions from 2 submitters: Uncertain significance (2). Last evaluated 2024-02-23.

Conditions:
Hereditary cancer-predisposing syndrome. Also called: Neoplastic Syndromes, Hereditary; Tumor predisposition; Hereditary Cancer Syndrome; Hereditary neoplastic syndrome. Identifiers: Orphanet 140162, MedGen C0027672, MeSH D009386, MONDO:0015356.
Ataxia-telangiectasia-like disorder 1 (ATLD1). Identifiers: Orphanet 251347, MedGen C4012790, MONDO:0024557, OMIM 604391.

Submissions (2):

Baylor Genetics
Classification: Uncertain significance for Ataxia-telangiectasia-like disorder 1. Last evaluated: 2024-02-23. Review status: criteria provided, single submitter. Criteria: ACMG Guidelines, 2015. Collection method: clinical testing. Allele origin: unknown.

Ambry Genetics
Classification: Uncertain significance for Hereditary cancer-predisposing syndrome. Last evaluated: 2022-01-15. Review status: criteria provided, single submitter. Criteria: Ambry Variant Classification Scheme 2023. Collection method: clinical testing. Allele origin: germline.
Comment: The p.P326A variant (also known as c.976C>G), located in coding exon 8 of the MRE11A gene, results from a C to G substitution at nucleotide position 976. The proline at codon 326 is replaced by alanine, an amino acid with highly similar properties. This amino acid position is conserved. In addition, the in silico prediction for this alteration is inconclusive. Since supporting evidence is limited at this time, the clinical significance of this alteration remains unclear.

NM_005591.4(MRE11):c.976C>G (p.Pro326Ala)

Gene: MRE11 (MRE11 double strand break repair nuclease; minus strand). Cytogenetic location: 11q21.
Variant type: single nucleotide variant.
Coding change: c.976C>G on transcript NM_005591.4 (MANE Select); coding-DNA position 976, C replaced by G.
Protein change: p.Pro326Ala; replaces proline 326 with alanine.
Molecular consequence: missense variant.
Genome position (GRCh38, 1-based): chr11:94,470,512, G>C on the plus strand (C>G on the coding strand, the complement: MRE11 is on the minus strand). VCF-style: chr11-94470512-G-C. GRCh37 (hg19) VCF-style: chr11-94203678-G-C.
Other names: c.976C>G, p.Pro326Ala (NM_001330347.2, NM_005590.4); short protein forms P326A.
Identifiers: ClinVar variation 1799774 (VCV001799774.3), dbSNP rs1591692503, ClinGen allele CA382374269.